The following is an entry in ClinVar:

NM_000038.6(APC):c.1535A>T (p.Asp512Val)

Gene: APC (APC regulator of Wnt signaling pathway; plus strand). Cytogenetic location: 5q22.2.
Variant type: single nucleotide variant.
Coding change: c.1535A>T on transcript NM_000038.6 (MANE Select); coding-DNA position 1535, A replaced by T.
Protein change: p.Asp512Val; replaces aspartic acid 512 with valine.
Molecular consequence: missense variant.
Genome position (GRCh38, 1-based): chr5:112,827,234, A>T. VCF-style: chr5-112827234-A-T. GRCh37 (hg19) VCF-style: chr5-112162931-A-T.
Other names: c.1535A>T, p.Asp512Val (NM_001127510.3, NM_001354895.2); c.1481A>T, p.Asp494Val (NM_001127511.3); c.1589A>T, p.Asp530Val (NM_001354896.2); c.1565A>T, p.Asp522Val (NM_001354897.2); c.1460A>T, p.Asp487Val (NM_001354898.2); c.1451A>T, p.Asp484Val (NM_001354899.2); c.1412A>T, p.Asp471Val (NM_001354900.2); c.1358A>T, p.Asp453Val (NM_001354901.2); and 5 more; short protein forms D352V, D421V, D530V, D484V, D487V, D494V, D522V, D386V.
Identifiers: ClinVar variation 650971 (VCV000650971.11), dbSNP rs1580566032, ClinGen allele CA16024663.
Genomic context (GRCh38, chr5:112,827,234, plus strand): 5'-ACTACAGTATTACACTAAGACGATATGCTGGAATGGCTTTGACAAACTTGACTTTTGGAG[A>T]TGTAGCCAACAAGGTATGTTTTTATAACATGTATTTCTTAAGATAGCTCAGGTATGAGTT-3'
Protein context (NP_000029.2, residues 502-522): GMALTNLTFG[Asp512Val]VANKATLCSM

ClinVar aggregate classification (germline): Uncertain significance. Review status: criteria provided, multiple submitters, no conflicts (2 of 4 stars). 2 submissions from 2 submitters: Uncertain significance (2). Last evaluated 2026-04-11.

Conditions:
Familial adenomatous polyposis 1 (FAP1). Also called: FAMILIAL ADENOMATOUS POLYPOSIS 1, ATTENUATED; POLYPOSIS, ADENOMATOUS INTESTINAL. Identifiers: MedGen C2713442, MONDO:0021056, OMIM 175100. Disease mechanism: loss of function.
Hereditary cancer-predisposing syndrome. Also called: Tumor predisposition; Hereditary Cancer Syndrome; Neoplastic Syndromes, Hereditary; Hereditary neoplastic syndrome. Identifiers: Orphanet 140162, MedGen C0027672, MeSH D009386, MONDO:0015356.

Submissions (2):

Ambry Genetics
Classification: Uncertain significance for Hereditary cancer-predisposing syndrome. Last evaluated: 2026-04-11. Review status: criteria provided, single submitter. Criteria: Ambry Variant Classification Scheme 2023. Collection method: clinical testing. Allele origin: germline.
Comment: The p.D512V variant (also known as c.1535A>T), located in coding exon 11 of the APC gene, results from an A to T substitution at nucleotide position 1535. The aspartic acid at codon 512 is replaced by valine, an amino acid with highly dissimilar properties. This amino acid position is conserved. In addition, in silico predictors for this gene do not accurately predict pathogenicity. Based on the available evidence, the clinical significance of this variant remains unclear.

Labcorp Genetics (formerly Invitae), Labcorp
Classification: Uncertain significance for Familial adenomatous polyposis 1. Last evaluated: 2018-12-21. Review status: criteria provided, single submitter. Criteria: Invitae Variant Classification Sherloc (09022015). Collection method: clinical testing. Allele origin: germline.
Comment: This variant is not present in population databases (ExAC no frequency). In summary, the available evidence is currently insufficient to determine the role of this variant in disease. Therefore, it has been classified as a Variant of Uncertain Significance. Algorithms developed to predict the effect of missense changes on protein structure and function are either unavailable or do not agree on the potential impact of this missense change (SIFT: "Tolerated"; PolyPhen-2: "Possibly Damaging"; Align-GVGD: "Class C0"). This variant has not been reported in the literature in individuals with APC-related conditions. This sequence change replaces aspartic acid with valine at codon 512 of the APC protein (p.Asp512Val). The aspartic acid residue is highly conserved and there is a large physicochemical difference between aspartic acid and valine.